The following is an entry in ClinVar:

ClinVar aggregate classification (germline): Uncertain significance (1 of 4 stars; one submission).

Allele frequency attached by ClinVar (database versions not stated): gnomAD exomes below 0.00001.
gnomAD v4.1: 2 of 1,612,952 alleles (0.00012%); highest among the groups gnomAD compares: Admixed American, 0.0017%; no homozygotes.

Submission:

Labcorp Genetics (formerly Invitae), Labcorp
Classification: Uncertain significance. Last evaluated: 2022-06-22. Review status: criteria provided, single submitter. Criteria: Invitae Variant Classification Sherloc (09022015). Collection method: clinical testing. Allele origin: germline.
Comment: This sequence change replaces glutamic acid, which is acidic and polar, with glutamine, which is neutral and polar, at codon 352 of the NCKAP1L protein (p.Glu352Gln). This variant is not present in population databases (gnomAD no frequency). This variant has not been reported in the literature in individuals affected with NCKAP1L-related conditions. Algorithms developed to predict the effect of missense changes on protein structure and function (SIFT, PolyPhen-2, Align-GVGD) all suggest that this variant is likely to be tolerated. In summary, the available evidence is currently insufficient to determine the role of this variant in disease. Therefore, it has been classified as a Variant of Uncertain Significance.

NM_005337.5(NCKAP1L):c.1054G>C (p.Glu352Gln)

Gene: NCKAP1L (NCK associated protein 1 like; plus strand). Cytogenetic location: 12q13.2.
Variant type: single nucleotide variant.
Coding change: c.1054G>C on transcript NM_005337.5 (MANE Select); coding-DNA position 1054, G replaced by C.
Protein change: p.Glu352Gln; replaces glutamic acid 352 with glutamine.
Molecular consequence: missense variant.
Genome position (GRCh38, 1-based): chr12:54,516,951, G>C. VCF-style: chr12-54516951-G-C. GRCh37 (hg19) VCF-style: chr12-54910735-G-C.
Other names: c.904G>C, p.Glu302Gln (NM_001184976.2); short protein forms E302Q, E352Q.
Identifiers: ClinVar variation 2107931 (VCV002107931.4), dbSNP rs2498595638, ClinGen allele CA385134488.